The following is an entry in ClinVar:

NM_021930.6(RINT1):c.1025T>C (p.Met342Thr)

Gene: RINT1 (RAD50 interactor 1; plus strand). Cytogenetic location: 7q22.3.
Variant type: single nucleotide variant.
Coding change: c.1025T>C on transcript NM_021930.6 (MANE Select); coding-DNA position 1025, T replaced by C.
Protein change: p.Met342Thr; replaces methionine 342 with threonine.
Molecular consequence: missense variant. On other transcripts: initiator codon variant (2), non-coding transcript variant (1).
Genome position (GRCh38, 1-based): chr7:105,550,083, T>C. VCF-style: chr7-105550083-T-C. GRCh37 (hg19) VCF-style: chr7-105190530-T-C.
Other names: c.791T>C, p.Met264Thr (NM_001346599.2); c.2T>C, p.Met1Thr (NM_001346600.2, NM_001346603.2); c.101T>C, p.Met34Thr (NM_001346601.2); c.2T>C (NM_001346600.1); short protein forms M342T, M1T, M264T, M34T.
Identifiers: ClinVar variation 224922 (VCV000224922.40), dbSNP rs140651827, ClinGen allele CA357836.

ClinVar aggregate classification (germline): Benign. Review status: criteria provided, multiple submitters, no conflicts (2 of 4 stars). 6 submissions from 6 submitters: Benign (4). 2 of the submissions do not count toward it. Last evaluated 2026-01-05.

Conditions:
RINT1-related disorder. Also called: RINT1-related condition.

Allele frequency attached by ClinVar (database versions not stated): ESP Exome Variant Server 0.00031; gnomAD 0.00031 and 0.00073; TOPMed 0.00042; gnomAD exomes 0.00100 and 0.00185; ExAC 0.00202; 1000 Genomes Project 30x 0.00281; 1000 Genomes Project 0.00300.
gnomAD v4.1: 1,592 of 1,613,208 alleles (0.099%); highest among the groups gnomAD compares: South Asian, 1.3%; 32 homozygotes.

Submissions (6):

Labcorp Genetics (formerly Invitae), Labcorp
Classification: Benign. Last evaluated: 2026-01-05. Review status: criteria provided, single submitter. Criteria: Invitae Variant Classification Sherloc (09022015). Collection method: clinical testing. Allele origin: germline.

CeGaT Center for Human Genetics Tuebingen
Classification: Benign. Last evaluated: 2025-02-01. Review status: criteria provided, single submitter. Criteria: CeGaT Center For Human Genetics Tuebingen Variant Classification Criteria Version 2. Collection method: clinical testing. Allele origin: germline. Affected: yes. Observed: 5 variant alleles.
Comment: RINT1: BS1, BS2

Ambry Genetics
Classification: Benign. Last evaluated: 2020-07-02. Review status: criteria provided, single submitter. Criteria: Ambry Variant Classification Scheme 2023. Collection method: clinical testing. Allele origin: germline.

Breakthrough Genomics
Classification: Benign. Review status: criteria provided, single submitter. Criteria: ACMG Guidelines, 2015. Collection method: not provided. Allele origin: germline. Inheritance: Autosomal recessive inheritance. Affected: yes.

PreventionGenetics, part of Exact Sciences
Classification: Benign for RINT1-related condition. Last evaluated: 2019-02-21. Review status: no assertion criteria provided. Collection method: clinical testing. Allele origin: germline. Not counted in ClinVar's aggregate classification.
Comment: This variant is classified as benign based on ACMG/AMP sequence variant interpretation guidelines (Richards et al. 2015 PMID: 25741868, with internal and published modifications).

Department of Pathology and Laboratory Medicine, Sinai Health System
Classification: Benign. Review status: no assertion criteria provided. Collection method: clinical testing. Allele origin: unknown. Affected: yes. Study: The Canadian Open Genetics Repository (COGR). Not counted in ClinVar's aggregate classification.
Comment: The RINT1 p.M1? variant was not identified in the literature but was identified in dbSNP (ID: rs140651827) and ClinVar (classified as benign by Invitae).Â¬â€ The variant was identified in control databases in 475 of 282394 chromosomes (13 homozygous) at a frequency of 0.001682, and was observed at the highest frequency in the South Asian population in 385 of 30490 chromosomes (12 homozygous) (freq: 0.01263) (Genome Aggregation Database March 6, 2019, v2.1.1).Â¬â€ The p.M1? variant results in the loss of the initiation codon which is predicted to lead to an absent protein and loss of function; however, the role of loss of function variants of the RINT1 gene in disease is currently not well-established.Â¬â€ The variant occurs outside of the splicing consensus sequence and in silico or computational prediction software programs (Splice AI exome) do not predict a difference in splicing. In summary, based on the above information this variant meets our laboratory's criteria to be classified as benign.